The following is an entry in ClinVar:

NM_000548.5(TSC2):c.535G>A (p.Val179Met)

Gene: TSC2 (TSC complex subunit 2; plus strand). Cytogenetic location: 16p13.3.
Variant type: single nucleotide variant.
Coding change: c.535G>A on transcript NM_000548.5 (MANE Select); coding-DNA position 535, G replaced by A.
Protein change: p.Val179Met; replaces valine 179 with methionine.
Molecular consequence: missense variant. On other transcripts: intron variant (1).
Genome position (GRCh38, 1-based): chr16:2,055,455, G>A. VCF-style: chr16-2055455-G-A. GRCh37 (hg19) VCF-style: chr16-2105456-G-A.
Other names: c.535G>A, p.Val179Met (NM_001077183.3, NM_001114382.3, NM_001363528.2 and 3 more transcripts); c.424G>A, p.Val142Met (NM_001318827.2); c.388G>A, p.Val130Met (NM_001318829.2); c.568G>A, p.Val190Met (NM_001318832.2); c.-1-741G>A (NM_001318831.2); short protein forms V179M, V130M, V142M, V190M.
Identifiers: ClinVar variation 468165 (VCV000468165.11), dbSNP rs777105764, ClinGen allele CA055211.
Genomic context (GRCh38, chr16:2,055,455, plus strand): 5'-CCCCCAGCTGACTTTGTCCTGCAGTGGATGGATGTTGGCTTGTCCTCGGAATTCCTTCTG[G>A]TGCTGGTGAACTTGGTCAAATTCAATAGCTGTTACCTCGACGAGTACATCGCAAGGATGG-3'
Protein context (NP_000539.2, residues 169-189): DVGLSSEFLL[Val179Met]LVNLVKFNSC

ClinVar aggregate classification (germline): Conflicting classifications of pathogenicity. Review status: criteria provided, conflicting classifications (1 of 4 stars). 2 submissions from 2 submitters: Uncertain significance (1); Benign (1). Last evaluated 2024-10-16.

Conditions:
Hereditary cancer-predisposing syndrome. Also called: Hereditary neoplastic syndrome; Neoplastic Syndromes, Hereditary; Tumor predisposition; Hereditary Cancer Syndrome. Identifiers: Orphanet 140162, MedGen C0027672, MeSH D009386, MONDO:0015356.
Tuberous sclerosis 2 (TSC2). Identifiers: Orphanet 805, MedGen C1860707, MONDO:0013199, OMIM 613254.

Allele frequency attached by ClinVar (database versions not stated): gnomAD 0.00001 and below 0.00001; gnomAD exomes 0.00001 and below 0.00001; ExAC 0.00002.
gnomAD v4.1: 4 of 1,614,130 alleles (0.00025%); highest among the groups gnomAD compares: South Asian, 0.0011%; no homozygotes.

Submissions (2):

Labcorp Genetics (formerly Invitae), Labcorp
Classification: Benign for Tuberous sclerosis 2. Last evaluated: 2024-10-16. Review status: criteria provided, single submitter. Criteria: Invitae Variant Classification Sherloc (09022015). Collection method: clinical testing. Allele origin: germline.

Ambry Genetics
Classification: Uncertain significance for Hereditary cancer-predisposing syndrome. Last evaluated: 2021-05-26. Review status: criteria provided, single submitter. Criteria: Ambry Variant Classification Scheme 2023. Collection method: clinical testing. Allele origin: germline.
Comment: The p.V179M variant (also known as c.535G>A), located in coding exon 5 of the TSC2 gene, results from a G to A substitution at nucleotide position 535. The valine at codon 179 is replaced by methionine, an amino acid with highly similar properties. This amino acid position is highly conserved in available vertebrate species. In addition, the in silico prediction for this alteration is inconclusive. Since supporting evidence is limited at this time, the clinical significance of this alteration remains unclear.